The following is an entry in ClinVar:

ClinVar aggregate classification (germline): Uncertain significance (1 of 4 stars; one submission).

Conditions:
Cardiovascular phenotype. Identifiers: MedGen CN230736.

Submission:

Ambry Genetics
Classification: Uncertain significance for Cardiovascular phenotype. Last evaluated: 2026-05-14. Review status: criteria provided, single submitter. Criteria: Ambry Variant Classification Scheme 2023. Collection method: clinical testing. Allele origin: germline.
Comment: The p.A395E variant (also known as c.1184C>A), located in coding exon 8 of the ABCG8 gene, results from a C to A substitution at nucleotide position 1184. The alanine at codon 395 is replaced by glutamic acid, an amino acid with dissimilar properties. This amino acid position is conserved. In addition, this alteration is predicted to be tolerated by in silico analysis. Based on the available evidence, the clinical significance of this variant remains unclear.

NM_022437.3(ABCG8):c.1184C>A (p.Ala395Glu)

Gene: ABCG8 (ATP binding cassette subfamily G member 8; plus strand). Cytogenetic location: 2p21.
Variant type: single nucleotide variant.
Coding change: c.1184C>A on transcript NM_022437.3 (MANE Select); coding-DNA position 1184, C replaced by A.
Protein change: p.Ala395Glu; replaces alanine 395 with glutamic acid.
Molecular consequence: missense variant.
Genome position (GRCh38, 1-based): chr2:43,872,279, C>A. VCF-style: chr2-43872279-C-A. GRCh37 (hg19) VCF-style: chr2-44099418-C-A.
Other names: c.1181C>A, p.Ala394Glu (NM_001357321.2); short protein forms A395E, A394E.
Identifiers: ClinVar variation 4863667 (VCV004863667.1).